The following is an entry in ClinVar:

NM_000090.4(COL3A1):c.1745G>A (p.Gly582Asp)

Gene: COL3A1 (collagen type III alpha 1 chain; plus strand). Cytogenetic location: 2q32.2.
Variant type: single nucleotide variant.
Coding change: c.1745G>A on transcript NM_000090.4 (MANE Select); coding-DNA position 1745, G replaced by A.
Protein change: p.Gly582Asp; replaces glycine 582 with aspartic acid.
Molecular consequence: missense variant.
Genome position (GRCh38, 1-based): chr2:188,996,480, G>A. VCF-style: chr2-188996480-G-A. GRCh37 (hg19) VCF-style: chr2-189861206-G-A.
Other names: short protein forms G582D.
Identifiers: ClinVar variation 851733 (VCV000851733.10), dbSNP rs1688322272, ClinGen allele CA349852864.

ClinVar aggregate classification (germline): Likely pathogenic (1 of 4 stars; one submission).

Conditions:
Ehlers-Danlos syndrome, type 4 (EDSVASC). Also called: Ehlers-Danlos Syndrome Type IV; Ehlers-Danlos syndrome vascular type; Ehlers Danlos syndrome, ecchymotic type; Ehlers Danlos syndrome, arterial type; Ehlers Danlos syndrome, Sack-Barabas type. Identifiers: Orphanet 286, MedGen C0268338, MONDO:0017314, OMIM 130050.

Submission:

Labcorp Genetics (formerly Invitae), Labcorp
Classification: Likely pathogenic for Ehlers-Danlos syndrome, type 4. Last evaluated: 2019-03-03. Review status: criteria provided, single submitter. Criteria: Invitae Variant Classification Sherloc (09022015). Collection method: clinical testing. Allele origin: germline.
Comment: Glycine residues within the Gly-Xaa-Yaa repeats of the triple helix domain are required for the structure and stability of fibrillar collagens (PMID: 7695699, 8218237, 19344236). In COL3A1, variants that affect these glycine residues are significantly enriched in individuals with disease (PMID: 24922459, 25758994) compared to the general population (ExAC). In summary, the currently available evidence indicates that the variant is pathogenic, but additional data are needed to prove that conclusively. Therefore, this variant has been classified as Likely Pathogenic. This variant has not been reported in the literature in individuals with COL3A1-related conditions. This variant is not present in population databases (ExAC no frequency). This sequence change replaces glycine with aspartic acid at codon 582 of the COL3A1 protein (p.Gly582Asp). The glycine residue is highly conserved and there is a moderate physicochemical difference between glycine and aspartic acid.

Literature cited by the submitters: PubMed 7695699; PubMed 8218237; PubMed 19344236; PubMed 24922459; PubMed 25758994.